The following is an entry in ClinVar:

ClinVar aggregate classification (germline): Likely benign (0 of 4 stars; one submission).

Conditions:
F12-related disorder. Also called: F12-related condition; F12-related disorders. Identifiers: MedGen CN239389.

Allele frequency attached by ClinVar (database versions not stated): gnomAD 0.00010; gnomAD exomes 0.00011; TOPMed 0.00015; 1000 Genomes Project 30x 0.00016; 1000 Genomes Project 0.00020.

Submission:

PreventionGenetics, part of Exact Sciences
Classification: Likely benign for F12-related condition. Last evaluated: 2019-08-20. Review status: no assertion criteria provided. Collection method: clinical testing. Allele origin: germline.
Comment: This variant is classified as likely benign based on ACMG/AMP sequence variant interpretation guidelines (Richards et al. 2015 PMID: 25741868, with internal and published modifications).

NC_000005.10:g.177409599T>C

Gene: F12 (coagulation factor XII; minus strand). Cytogenetic location: 5q35.3.
Variant type: single nucleotide variant.
Genome position: GRCh38 VCF-style: chr5-177409599-T-C. GRCh37 (hg19) VCF-style: chr5-176836600-T-C.
Identifiers: ClinVar variation 3035406 (VCV003035406.2), dbSNP rs371321891, ClinGen allele CA132842844.